The following is an entry in ClinVar:

NM_000081.4(LYST):c.2460T>G (p.Phe820Leu)

Gene: LYST (lysosomal trafficking regulator; minus strand). Cytogenetic location: 1q42.3.
Variant type: single nucleotide variant.
Coding change: c.2460T>G on transcript NM_000081.4 (MANE Select); coding-DNA position 2460, T replaced by G.
Protein change: p.Phe820Leu; replaces phenylalanine 820 with leucine.
Molecular consequence: missense variant.
Genome position (GRCh38, 1-based): chr1:235,806,676, A>C on the plus strand (T>G on the coding strand, the complement: LYST is on the minus strand). VCF-style: chr1-235806676-A-C. GRCh37 (hg19) VCF-style: chr1-235969976-A-C.
Other names: c.2460T>G, p.Phe820Leu (NM_001301365.1); c.2460T>G (NM_000081.2); short protein forms F820L.
Identifiers: ClinVar variation 875922 (VCV000875922.10), dbSNP rs35261143, ClinGen allele CA1467271.

ClinVar aggregate classification (germline): Uncertain significance. Review status: criteria provided, multiple submitters, no conflicts (2 of 4 stars). 4 submissions from 4 submitters: Uncertain significance (4). Last evaluated 2025-09-22.

Conditions:
Inborn genetic diseases. Identifiers: MedGen C0950123, MeSH D030342.
Chédiak-Higashi syndrome (CHS). Also called: Chediak-Higashi Syndrome. Identifiers: Orphanet 167, MedGen C0007965, MONDO:0008963, OMIM 214500.

Allele frequency attached by ClinVar (database versions not stated): ExAC 0.00002; gnomAD 0.00004; TOPMed 0.00006; gnomAD exomes 0.00010; ESP Exome Variant Server 0.00015.
gnomAD v4.1: 155 of 1,613,588 alleles (0.0096%); highest among the groups gnomAD compares: Non-Finnish European, 0.013%; no homozygotes.

Submissions (4):

Ambry Genetics
Classification: Uncertain significance for Inborn genetic diseases. Last evaluated: 2025-09-22. Review status: criteria provided, single submitter. Criteria: Ambry Variant Classification Scheme 2023. Collection method: clinical testing. Allele origin: germline.

Fulgent Genetics
Classification: Uncertain significance for Chédiak-Higashi syndrome. Last evaluated: 2024-04-24. Review status: criteria provided, single submitter. Criteria: ACMG Guidelines, 2015. Collection method: clinical testing. Allele origin: germline.

Labcorp Genetics (formerly Invitae), Labcorp
Classification: Uncertain significance for Chédiak-Higashi syndrome. Last evaluated: 2022-08-06. Review status: criteria provided, single submitter. Criteria: Invitae Variant Classification Sherloc (09022015). Collection method: clinical testing. Allele origin: germline.
Comment: This sequence change replaces phenylalanine, which is neutral and non-polar, with leucine, which is neutral and non-polar, at codon 820 of the LYST protein (p.Phe820Leu). This variant is present in population databases (rs35261143, gnomAD 0.01%). This variant has not been reported in the literature in individuals affected with LYST-related conditions. ClinVar contains an entry for this variant (Variation ID: 875922). Algorithms developed to predict the effect of missense changes on protein structure and function (SIFT, PolyPhen-2, Align-GVGD) all suggest that this variant is likely to be tolerated. In summary, the available evidence is currently insufficient to determine the role of this variant in disease. Therefore, it has been classified as a Variant of Uncertain Significance.

Illumina Laboratory Services, Illumina
Classification: Uncertain significance for Chédiak-Higashi syndrome. Last evaluated: 2018-01-13. Review status: criteria provided, single submitter. Criteria: ICSL Variant Classification Criteria 13 December 2019. Collection method: clinical testing. Allele origin: germline.